The following is an entry in ClinVar:

NM_032638.5(GATA2):c.343C>T (p.Pro115Ser)

Gene: GATA2 (GATA binding protein 2; minus strand). Cytogenetic location: 3q21.3.
Variant type: single nucleotide variant.
Coding change: c.343C>T on transcript NM_032638.5 (MANE Select); coding-DNA position 343, C replaced by T.
Protein change: p.Pro115Ser; replaces proline 115 with serine.
Molecular consequence: missense variant.
Genome position (GRCh38, 1-based): chr3:128,486,255, G>A on the plus strand (C>T on the coding strand, the complement: GATA2 is on the minus strand). VCF-style: chr3-128486255-G-A. GRCh37 (hg19) VCF-style: chr3-128205098-G-A.
Other names: c.343C>T, p.Pro115Ser (NM_001145661.2, NM_001145662.1); short protein forms P115S.
Identifiers: ClinVar variation 3853031 (VCV003853031.1).

ClinVar aggregate classification (germline): Uncertain significance (1 of 4 stars; one submission).

Conditions:
Inborn genetic diseases. Identifiers: MedGen C0950123, MeSH D030342.

Submission:

Ambry Genetics
Classification: Uncertain significance for Inborn genetic diseases. Last evaluated: 2025-02-19. Review status: criteria provided, single submitter. Criteria: Ambry Variant Classification Scheme 2023. Collection method: clinical testing. Allele origin: germline.
Comment: The p.P115S variant (also known as c.343C>T), located in coding exon 2 of the GATA2 gene, results from a C to T substitution at nucleotide position 343. The proline at codon 115 is replaced by serine, an amino acid with similar properties. This amino acid position is conserved. In addition, the in silico prediction for this alteration is inconclusive. Based on the available evidence, the clinical significance of this variant remains unclear.